The following is an entry in ClinVar:

NM_005055.5(RAPSN):c.130del (p.Arg44fs)

Gene: RAPSN (receptor associated protein of the synapse; minus strand). Cytogenetic location: 11p11.2.
Variant type: Deletion.
Coding change: c.130del on transcript NM_005055.5 (MANE Select); coding-DNA position 130, one base deleted (C; older notation c.130delC).
Protein change: p.Arg44fs; shifts the reading frame from arginine 44.
Molecular consequence: frameshift variant.
Genome position (GRCh38, 1-based): chr11:47,448,835, G deleted on the plus strand (C on the coding strand, the reverse complement: RAPSN is on the minus strand); the first of 2 consecutive G bases (chr11:47,448,835-47,448,836); deleting either gives the same sequence. VCF-style (leftmost placement, unchanged base first): chr11-47448834-CG-C. GRCh37 (hg19) VCF-style: chr11-47470386-CG-C.
Other names: c.130del, p.Arg44fs (NM_001440490.1, NM_001440491.1, NM_001440492.1 and 13 more transcripts); short protein forms R44fs.
Identifiers: ClinVar variation 5004055 (VCV005004055.1).
Genomic context (GRCh38, chr11:47,448,834, plus strand): 5'-TTCAGCATCTCCTTGTAGCGGCCCATCTCCGAGTGGGCTGTGACCAGGCAGCCCAGCACG[CG>C]GAAGCGCCCCATGAGGTCCGAGCTCTTCTCCAGCACCTTTGTCCACACCTGCAATGCCTT-3'

ClinVar aggregate classification (germline): Pathogenic (1 of 4 stars; one submission).

Conditions:
RAPSN-related disorder. Also called: RAPSN-related condition; RAPSN-related disorders. Identifiers: MedGen CN239397.

Submission:

Myriad Genetics, Inc.
Classification: Pathogenic for RAPSN-related disorder. Last evaluated: 2026-05-06. Review status: criteria provided, single submitter. Criteria: Myriad Autosomal Dominant, Autosomal Recessive and X-Linked Classification Criteria (2023). Collection method: clinical testing. Allele origin: unknown.
Comment: NM_005055.4(RAPSN):c.130delC(R44Afs*20) is a frameshift variant classified as pathogenic in the context of RAPSN-related disorders. R44Afs*20 has not been observed in cases with relevant disease. Relevant functional assessments of this variant are not available in the literature. R44Afs*20 has not been observed in referenced population frequency databases. In summary, NM_005055.4(RAPSN):c.130delC(R44Afs*20) is a frameshift variant in a gene where loss of function is a known mechanism of disease and is predicted to disrupt protein function. Please note: this variant was assessed in the context of healthy population screening.